The following is an entry in ClinVar:

ClinVar aggregate classification (germline): Conflicting classifications of pathogenicity. Review status: criteria provided, conflicting classifications (1 of 4 stars). 6 submissions from 6 submitters: Uncertain significance (4); Likely benign (1). 1 of the submissions does not count toward it. Last evaluated 2025-06-10.

Conditions:
Cardiovascular phenotype. Identifiers: MedGen CN230736.
Glycogen storage disease, type II (IOPD). Also called: Glucosidase acid-1,4-alpha deficiency; Glycogen storage disease type 2; Acid maltase deficiency disease; Aglucosidase alfa; Deficiency of alpha-glucosidase; Deficiency of lysosomal alpha-glucosidase. Identifiers: Orphanet 365, MedGen C0017921, MONDO:0009290, OMIM 232300.

Allele frequency attached by ClinVar (database versions not stated): ExAC 0.00001; gnomAD 0.00002; gnomAD exomes 0.00002; TOPMed 0.00002; ESP Exome Variant Server 0.00008.
gnomAD v4.1: 23 of 1,611,348 alleles (0.0014%); highest among the groups gnomAD compares: Admixed American, 0.0033%; no homozygotes.

Submissions (6):

Ambry Genetics
Classification: Likely benign for Cardiovascular phenotype. Last evaluated: 2025-06-10. Review status: criteria provided, single submitter. Criteria: Ambry Variant Classification Scheme 2023. Collection method: clinical testing. Allele origin: germline.

Genome-Nilou Lab
Classification: Uncertain significance for Glycogen storage disease, type II. Last evaluated: 2021-09-05. Review status: criteria provided, single submitter. Criteria: ACMG Guidelines, 2015. Collection method: clinical testing. Allele origin: germline. Affected: no.

Labcorp Genetics (formerly Invitae), Labcorp
Classification: Uncertain significance for Glycogen storage disease, type II. Last evaluated: 2021-08-31. Review status: criteria provided, single submitter. Criteria: Invitae Variant Classification Sherloc (09022015). Collection method: clinical testing. Allele origin: germline.
Comment: This sequence change replaces alanine with valine at codon 289 of the GAA protein (p.Ala289Val). The alanine residue is weakly conserved and there is a small physicochemical difference between alanine and valine. This variant is present in population databases (rs145903608, ExAC 0.01%). This variant has not been reported in the literature in individuals affected with GAA-related conditions. ClinVar contains an entry for this variant (Variation ID: 285344). Algorithms developed to predict the effect of missense changes on protein structure and function output the following: SIFT: "Tolerated"; PolyPhen-2: "Benign"; Align-GVGD: "Class C0". The valine amino acid residue is found in multiple mammalian species, which suggests that this missense change does not adversely affect protein function. In summary, the available evidence is currently insufficient to determine the role of this variant in disease. Therefore, it has been classified as a Variant of Uncertain Significance.

Revvity Omics, Revvity
Classification: Uncertain significance. Last evaluated: 2019-06-03. Review status: criteria provided, single submitter. Criteria: ACMG Guidelines, 2015. Collection method: clinical testing. Allele origin: germline.

Eurofins Ntd Llc (ga)
Classification: Uncertain significance. Last evaluated: 2018-01-11. Review status: criteria provided, single submitter. Criteria: EGL Classification Definitions 2015. Collection method: clinical testing. Allele origin: germline. Observed: 3 variant alleles, 3 heterozygotes.

Natera, Inc.
Classification: Uncertain significance for Glycogen storage disease type II. Last evaluated: 2020-12-08. Review status: no assertion criteria provided. Collection method: clinical testing. Allele origin: germline. Not counted in ClinVar's aggregate classification.

NM_000152.5(GAA):c.866C>T (p.Ala289Val)

Gene: GAA (alpha glucosidase; plus strand). Cytogenetic location: 17q25.3.
Variant type: single nucleotide variant.
Coding change: c.866C>T on transcript NM_000152.5 (MANE Select); coding-DNA position 866, C replaced by T.
Protein change: p.Ala289Val; replaces alanine 289 with valine.
Molecular consequence: missense variant.
Genome position (GRCh38, 1-based): chr17:80,107,807, C>T. VCF-style: chr17-80107807-C-T. GRCh37 (hg19) VCF-style: chr17-78081606-C-T.
Other names: c.866C>T (LRG_673t1); c.866C>T, p.Ala289Val (NM_001079803.3, NM_001079804.3); short protein forms A289V.
Identifiers: ClinVar variation 285344 (VCV000285344.20), dbSNP rs145903608, ClinGen allele CA8815076.